The following is an entry in ClinVar:

ClinVar aggregate classification (germline): Likely pathogenic (1 of 4 stars; one submission).

Conditions:
Hyperlipoproteinemia, type I. Also called: Hyperlipoproteinemia type 1; Hyperchylomicro-nemia familial; Familial chylomicronemia; Hyperlipemia idiopathic Burger-Grutz type; Familial hyperlipo-proteinemia type 1; Hyperlipemia essential familial. Identifiers: Orphanet 309015, Orphanet 444490, MedGen C0023817, MONDO:0009387, OMIM 238600. Disease mechanism: loss of function.

Submission:

Natera, Inc.
Classification: Likely pathogenic for Lipoprotein lipase deficiency. Last evaluated: 2025-01-09. Review status: criteria provided, single submitter. Criteria: Natera Variant Classification Schema (03/2026). Collection method: clinical testing. Allele origin: germline.
Comment: The c.120dup variant in LPL is a frameshift variant predicted to shift the reading frame beginning at codon 41 and leads to a stop codon 7 codons downstream. This variant is expected to result in nonsense mediated decay, truncation, or a dysfunctional protein product. This variant is rare in the general population with a frequency below the threshold expected for the associated phenotype(s). Given the available evidence, this variant is classified as Likely Pathogenic.

NM_000237.3(LPL):c.120dup (p.Phe41fs)

Gene: LPL (lipoprotein lipase; plus strand). Cytogenetic location: 8p21.3.
Variant type: Duplication.
Coding change: c.120dup on transcript NM_000237.3 (MANE Select); coding-DNA position 120, one base duplicated (A; older notation c.120dupA).
Protein change: p.Phe41fs; shifts the reading frame from phenylalanine 41.
Molecular consequence: frameshift variant.
Genome position (GRCh38, 1-based): chr8:19,948,211, A duplicated; the last of 3 consecutive A bases (chr8:19,948,209-19,948,211); duplicating any one gives the same sequence. VCF-style (leftmost placement, unchanged base first): chr8-19948208-T-TA. GRCh37 (hg19) VCF-style: chr8-19805719-T-TA.
Other names: short protein forms F41fs.
Identifiers: ClinVar variation 4070188 (VCV004070188.2).